The following is an entry in ClinVar:

ClinVar aggregate classification (germline): Uncertain significance (1 of 4 stars; one submission).

Submission:

GeneDx
Classification: Uncertain significance. Last evaluated: 2026-03-16. Review status: criteria provided, single submitter. Criteria: GeneDx Variant Classification Process June 2021. Collection method: clinical testing. Allele origin: germline.
Comment: Not observed at significant frequency in large population cohorts (gnomAD); In silico analysis suggests that this missense variant does not alter protein structure/function; Has not been previously published as pathogenic or benign to our knowledge

NM_020795.4(NLGN2):c.2357G>T (p.Gly786Val)

Gene: NLGN2 (neuroligin 2; plus strand). Cytogenetic location: 17p13.1.
Variant type: single nucleotide variant.
Coding change: c.2357G>T on transcript NM_020795.4 (MANE Select); coding-DNA position 2357, G replaced by T.
Protein change: p.Gly786Val; replaces glycine 786 with valine.
Molecular consequence: missense variant.
Genome position (GRCh38, 1-based): chr17:7,417,648, G>T. VCF-style: chr17-7417648-G-T. GRCh37 (hg19) VCF-style: chr17-7320967-G-T.
Other names: short protein forms G786V.
Identifiers: ClinVar variation 5009281 (VCV005009281.1).